The following is an entry in ClinVar:

ClinVar aggregate classification (germline): Uncertain significance. Review status: criteria provided, multiple submitters, no conflicts (2 of 4 stars). 2 submissions from 2 submitters: Uncertain significance (2). Last evaluated 2025-06-19.

Conditions:
Retinoblastoma (RB1). Also called: RETINOBLASTOMA, SOMATIC. Identifiers: Orphanet 790, MedGen C0035335, MeSH D012175, MONDO:0008380, OMIM 180200, HP:0009919. Disease mechanism: loss of function. Inheritance: Both sporadic and heritable forms are tested..

Submissions (2):

Labcorp Genetics (formerly Invitae), Labcorp
Classification: Uncertain significance for Retinoblastoma. Last evaluated: 2025-06-19. Review status: criteria provided, single submitter. Criteria: Invitae Variant Classification Sherloc (09022015). Collection method: clinical testing. Allele origin: germline.
Comment: This variant occurs in a non-coding region of the RB1 gene. It does not change the encoded amino acid sequence of the RB1 protein. This variant is not present in population databases (gnomAD no frequency). This variant has not been reported in the literature in individuals affected with RB1-related conditions. Experimental studies and prediction algorithms are not available or were not evaluated, and the functional significance of this variant is currently unknown. In summary, the available evidence is currently insufficient to determine the role of this variant in disease. Therefore, it has been classified as a Variant of Uncertain Significance.

GeneDx
Classification: Uncertain significance. Last evaluated: 2023-07-06. Review status: criteria provided, single submitter. Criteria: GeneDx Variant Classification Process June 2021. Collection method: clinical testing. Allele origin: germline. Affected: yes.
Comment: Describes a nucleotide substitution 213 base pairs upstream of the ATG translational start site of the RB1 gene; No data available from control populations to assess the frequency of this variant; Has not been previously published as pathogenic or benign to our knowledge

NC_000013.11:g.48303700C>A

Genes: RB1 (RB transcriptional corepressor 1; plus strand), RB1-DT (RB1 divergent transcript; minus strand). Cytogenetic location: 13q14.2.
Variant type: single nucleotide variant.
Molecular consequence: non-coding transcript variant (on NR_046414.2).
Genome position: GRCh38 VCF-style: chr13-48303700-C-A. GRCh37 (hg19) VCF-style: chr13-48877836-C-A.
Identifiers: ClinVar variation 3360821 (VCV003360821.3).